The following is an entry in ClinVar:

ClinVar aggregate classification (germline): Conflicting classifications of pathogenicity. Review status: criteria provided, conflicting classifications (1 of 4 stars). 3 submissions from 3 submitters: Uncertain significance (2); Likely benign (1). Last evaluated 2025-09-17.

Allele frequency attached by ClinVar (database versions not stated): gnomAD exomes 0.00003 and 0.00006; ExAC 0.00006; TOPMed below 0.00001; gnomAD 0.00001.
gnomAD v4.1: 42 of 1,610,424 alleles (0.0026%); highest among the groups gnomAD compares: South Asian, 0.045%; 1 homozygote.

Submissions (3):

Ambry Genetics
Classification: Uncertain significance. Last evaluated: 2025-09-17. Review status: criteria provided, single submitter. Criteria: Ambry Variant Classification Scheme 2023. Collection method: clinical testing. Allele origin: germline.
Comment: The p.V325M variant (also known as c.973G>A), located in coding exon 10 of the A2ML1 gene, results from a G to A substitution at nucleotide position 973. The valine at codon 325 is replaced by methionine, an amino acid with highly similar properties. This amino acid position is conserved. In addition, this alteration is predicted to be tolerated by in silico analysis. Based on the available evidence, the clinical significance of this variant remains unclear.

Women's Health and Genetics/Laboratory Corporation of America, LabCorp
Classification: Likely benign. Last evaluated: 2021-10-09. Review status: criteria provided, single submitter. Criteria: LabCorp Variant Classification Summary - May 2015. Collection method: clinical testing. Allele origin: germline.

Labcorp Genetics (formerly Invitae), Labcorp
Classification: Uncertain significance. Last evaluated: 2021-08-31. Review status: criteria provided, single submitter. Criteria: Invitae Variant Classification Sherloc (09022015). Collection method: clinical testing. Allele origin: germline.
Comment: This sequence change replaces valine with methionine at codon 325 of the A2ML1 protein (p.Val325Met). The valine residue is moderately conserved and there is a small physicochemical difference between valine and methionine. This variant is present in population databases (rs749156731, ExAC 0.05%). This variant has not been reported in the literature in individuals affected with A2ML1-related conditions. Algorithms developed to predict the effect of missense changes on protein structure and function output the following: SIFT: "Deleterious"; PolyPhen-2: "Benign"; Align-GVGD: "Class C0". The methionine amino acid residue is found in multiple mammalian species, which suggests that this missense change does not adversely affect protein function. In summary, the available evidence is currently insufficient to determine the role of this variant in disease. Therefore, it has been classified as a Variant of Uncertain Significance.

NM_144670.6(A2ML1):c.973G>A (p.Val325Met)

Gene: A2ML1 (alpha-2-macroglobulin like 1; plus strand). Cytogenetic location: 12p13.31.
Variant type: single nucleotide variant.
Coding change: c.973G>A on transcript NM_144670.6 (MANE Select); coding-DNA position 973, G replaced by A.
Protein change: p.Val325Met; replaces valine 325 with methionine.
Molecular consequence: missense variant.
Genome position (GRCh38, 1-based): chr12:8,839,115, G>A. VCF-style: chr12-8839115-G-A. GRCh37 (hg19) VCF-style: chr12-8991711-G-A.
Other names: c.973G>A (NM_144670.3); short protein forms V325M.
Identifiers: ClinVar variation 1321356 (VCV001321356.4), dbSNP rs749156731, ClinGen allele CA6435509.